The following is an entry in ClinVar:

ClinVar aggregate classification (germline): Pathogenic. Review status: criteria provided, multiple submitters, no conflicts (2 of 4 stars). 2 submissions from 2 submitters: Pathogenic (2). Last evaluated 2023-09-27.

Conditions:
Familial adenomatous polyposis 4 (FAP4). Also called: MSH3-related attenuated familial adenomatous polyposis. Identifiers: Orphanet 480536, MedGen C4310719, MONDO:0044300, OMIM 617100.

Submissions (2):

Labcorp Genetics (formerly Invitae), Labcorp
Classification: Pathogenic. Last evaluated: 2023-09-27. Review status: criteria provided, single submitter. Criteria: Invitae Variant Classification Sherloc (09022015). Collection method: clinical testing. Allele origin: germline.
Comment: This sequence change creates a premature translational stop signal (p.Tyr744Ilefs*24) in the MSH3 gene. It is expected to result in an absent or disrupted protein product. Loss-of-function variants in MSH3 are known to be pathogenic (PMID: 27476653, 37402566). This variant is not present in population databases (gnomAD no frequency). This variant has not been reported in the literature in individuals affected with MSH3-related conditions. For these reasons, this variant has been classified as Pathogenic.

Myriad Genetics, Inc.
Classification: Pathogenic for Familial adenomatous polyposis 4. Last evaluated: 2023-05-02. Review status: criteria provided, single submitter. Criteria: Myriad Autosomal Dominant, Autosomal Recessive and X-Linked Classification Criteria (2023). Collection method: clinical testing. Allele origin: unknown.
Comment: This variant is considered pathogenic. This variant creates a frameshift predicted to result in premature protein truncation.

Literature cited by the submitters: PubMed 27476653 (cited by Labcorp Genetics (formerly Invitae), Labcorp); PubMed 37402566 (cited by Labcorp Genetics (formerly Invitae), Labcorp).

NM_002439.5(MSH3):c.2229dup (p.Tyr744fs)

Gene: MSH3 (mutS homolog 3; plus strand). Cytogenetic location: 5q14.1.
Variant type: Duplication.
Coding change: c.2229dup on transcript NM_002439.5 (MANE Select); coding-DNA position 2229, one base duplicated (A; older notation c.2229dupA).
Protein change: p.Tyr744fs; shifts the reading frame from tyrosine 744.
Molecular consequence: frameshift variant.
Genome position (GRCh38, 1-based): chr5:80,768,979, A duplicated; the last of 2 consecutive A bases (chr5:80,768,978-80,768,979); duplicating either gives the same sequence. VCF-style (leftmost placement, unchanged base first): chr5-80768977-C-CA. GRCh37 (hg19) VCF-style: chr5-80064796-C-CA.
Other names: short protein forms Y744fs.
Identifiers: ClinVar variation 2583807 (VCV002583807.5), dbSNP rs2546774313, ClinGen allele CA2582341589.
Genomic context (GRCh38, chr5:80,768,977, plus strand): 5'-ATTGACGAGATCCGAATGCATTTGCAAGAAATACGAAAAATACTAAAAAATCCTTCTGCA[C>CA]AATATGTGACAGTATCAGGACAGGAGGTAATGTCAAGCTTACTTTTATTTTCTATTAGTT-3'